The following is an entry in ClinVar:

NM_020708.5(SLC12A5):c.3325C>T (p.Arg1109Cys)

Genes: SLC12A5 (solute carrier family 12 member 5; plus strand), LOC113960611 (Sharpr-MPRA regulatory region 3425; plus strand). Cytogenetic location: 20q13.12.
Variant type: single nucleotide variant.
Coding change: c.3325C>T on transcript NM_020708.5 (MANE Select); coding-DNA position 3325, C replaced by T.
Protein change: p.Arg1109Cys; replaces arginine 1109 with cysteine.
Molecular consequence: missense variant.
Genome position (GRCh38, 1-based): chr20:46,057,579, C>T. VCF-style: chr20-46057579-C-T. GRCh37 (hg19) VCF-style: chr20-44686218-C-T.
Other names: c.3394C>T, p.Arg1132Cys (NM_001134771.2); short protein forms R1109C, R1132C.
Identifiers: ClinVar variation 1039987 (VCV001039987.6), dbSNP rs1568870063, ClinGen allele CA409210605.

ClinVar aggregate classification (germline): Uncertain significance (1 of 4 stars; one submission).

Conditions:
Developmental and epileptic encephalopathy, 34 (DEE34). Also called: SLC12A5-Related Epilepsy of Infancy with Migrating Focal Seizures; Early infantile epileptic encephalopathy 34. Identifiers: Orphanet 293181, MedGen C4225257, MONDO:0014718, OMIM 616645.

Allele frequency attached by ClinVar (database versions not stated): gnomAD exomes below 0.00001; gnomAD 0.00001.
gnomAD v4.1: 5 of 1,613,760 alleles (0.00031%); highest among the groups gnomAD compares: Middle Eastern, 0.033%; no homozygotes.

Submission:

Labcorp Genetics (formerly Invitae), Labcorp
Classification: Uncertain significance for Developmental and epileptic encephalopathy, 34. Last evaluated: 2021-08-26. Review status: criteria provided, single submitter. Criteria: Invitae Variant Classification Sherloc (09022015). Collection method: clinical testing. Allele origin: germline.
Comment: This sequence change replaces arginine with cysteine at codon 1109 of the SLC12A5 protein (p.Arg1109Cys). The arginine residue is highly conserved and there is a large physicochemical difference between arginine and cysteine. This variant is not present in population databases (ExAC no frequency). This variant has not been reported in the literature in individuals affected with SLC12A5-related conditions. Algorithms developed to predict the effect of missense changes on protein structure and function are either unavailable or do not agree on the potential impact of this missense change (SIFT: "Deleterious"; PolyPhen-2: "Probably Damaging"; Align-GVGD: "Class C0"). In summary, the available evidence is currently insufficient to determine the role of this variant in disease. Therefore, it has been classified as a Variant of Uncertain Significance.